The following is an entry in ClinVar:

ClinVar aggregate classification (germline): Uncertain significance (1 of 4 stars; one submission).

Submission:

Labcorp Genetics (formerly Invitae), Labcorp
Classification: Uncertain significance. Last evaluated: 2021-01-02. Review status: criteria provided, single submitter. Criteria: Invitae Variant Classification Sherloc (09022015). Collection method: clinical testing. Allele origin: germline.
Comment: This sequence change replaces asparagine with aspartic acid at codon 440 of the REST protein (p.Asn440Asp). The asparagine residue is moderately conserved and there is a small physicochemical difference between asparagine and aspartic acid. This variant is not present in population databases (ExAC no frequency). This variant has not been reported in the literature in individuals with REST-related conditions. Algorithms developed to predict the effect of missense changes on protein structure and function output the following: SIFT: "Tolerated"; PolyPhen-2: "Benign"; Align-GVGD: "Class C0". The aspartic acid amino acid residue is found in multiple mammalian species, suggesting that this missense change does not adversely affect protein function. These predictions have not been confirmed by published functional studies and their clinical significance is uncertain. In summary, the available evidence is currently insufficient to determine the role of this variant in disease. Therefore, it has been classified as a Variant of Uncertain Significance.

NM_005612.5(REST):c.1318A>G (p.Asn440Asp)

Gene: REST (RE1 silencing transcription factor; plus strand). Cytogenetic location: 4q12.
Variant type: single nucleotide variant.
Coding change: c.1318A>G on transcript NM_005612.5 (MANE Select); coding-DNA position 1318, A replaced by G.
Protein change: p.Asn440Asp; replaces asparagine 440 with aspartic acid.
Molecular consequence: missense variant.
Genome position (GRCh38, 1-based): chr4:56,930,176, A>G. VCF-style: chr4-56930176-A-G. GRCh37 (hg19) VCF-style: chr4-57796342-A-G.
Other names: c.1318A>G, p.Asn440Asp (NM_001193508.2, NM_001363453.3); short protein forms N440D.
Identifiers: ClinVar variation 1400409 (VCV001400409.8), dbSNP rs2109573252, ClinGen allele CA357006346.